The following is an entry in ClinVar:

ClinVar aggregate classification (germline): Uncertain significance (1 of 4 stars; one submission).

Conditions:
Singleton-Merten syndrome 1 (SGMRT1). Also called: Widened medullary cavities of bone, aortic calcification, abnormal dentition, and muscular weakness; Syndrome of widened medullary cavities of the metacarpals and phalanges, aortic calcification and abnormal dentition. Identifiers: Orphanet 85191, MedGen C4225427, MONDO:0024535, OMIM 182250.
Aicardi-Goutieres syndrome 7 (AGS7). Identifiers: Orphanet 51, MedGen C3888244, MONDO:0014367, OMIM 615846.

Allele frequency attached by ClinVar (database versions not stated): gnomAD exomes below 0.00001; TOPMed below 0.00001; ExAC 0.00001; gnomAD 0.00001.
gnomAD v4.1: 7 of 1,614,036 alleles (0.00043%); highest among the groups gnomAD compares: Non-Finnish European, 0.00059%; no homozygotes.

Submission:

Labcorp Genetics (formerly Invitae), Labcorp
Classification: Uncertain significance for Aicardi-Goutieres syndrome 7; Singleton-Merten syndrome 1. Last evaluated: 2024-10-23. Review status: criteria provided, single submitter. Criteria: Invitae Variant Classification Sherloc (09022015). Collection method: clinical testing. Allele origin: germline.
Comment: This sequence change replaces glutamic acid, which is acidic and polar, with aspartic acid, which is acidic and polar, at codon 60 of the IFIH1 protein (p.Glu60Asp). This variant is present in population databases (rs777639035, gnomAD 0.0009%). This variant has not been reported in the literature in individuals affected with IFIH1-related conditions. ClinVar contains an entry for this variant (Variation ID: 1511586). An algorithm developed to predict the effect of missense changes on protein structure and function outputs the following: PolyPhen-2: "Benign". The aspartic acid amino acid residue is found in multiple mammalian species, which suggests that this missense change does not adversely affect protein function. In summary, the available evidence is currently insufficient to determine the role of this variant in disease. Therefore, it has been classified as a Variant of Uncertain Significance.

NM_022168.4(IFIH1):c.180A>C (p.Glu60Asp)

Gene: IFIH1 (interferon induced with helicase C domain 1; minus strand). Cytogenetic location: 2q24.2.
Variant type: single nucleotide variant.
Coding change: c.180A>C on transcript NM_022168.4 (MANE Select); coding-DNA position 180, A replaced by C.
Protein change: p.Glu60Asp; replaces glutamic acid 60 with aspartic acid.
Molecular consequence: missense variant.
Genome position (GRCh38, 1-based): chr2:162,318,128, T>G on the plus strand (A>C on the coding strand, the complement: IFIH1 is on the minus strand). VCF-style: chr2-162318128-T-G. GRCh37 (hg19) VCF-style: chr2-163174638-T-G.
Other names: short protein forms E60D.
Identifiers: ClinVar variation 1511586 (VCV001511586.6), dbSNP rs777639035, ClinGen allele CA1934885.